The following is an entry in ClinVar:

ClinVar aggregate classification (germline): Pathogenic (1 of 4 stars; one submission).

Submission:

Labcorp Genetics (formerly Invitae), Labcorp
Classification: Pathogenic. Last evaluated: 2025-12-13. Review status: criteria provided, single submitter. Criteria: Invitae Variant Classification Sherloc (09022015). Collection method: clinical testing. Allele origin: germline.
Comment: This sequence change creates a premature translational stop signal (p.Tyr138Leufs*8) in the TBCK gene. It is expected to result in an absent or disrupted protein product. Loss-of-function variants in TBCK are known to be pathogenic (PMID: 27040692, 30103036). This variant is not present in population databases (gnomAD no frequency). This variant has not been reported in the literature in individuals affected with TBCK-related conditions. For these reasons, this variant has been classified as Pathogenic.

Literature cited by the submitters: PubMed 27040692; PubMed 30103036.

NM_001163435.3(TBCK):c.412dup (p.Tyr138fs)

Gene: TBCK (TBC1 domain containing kinase; minus strand). Cytogenetic location: 4q24.
Variant type: Duplication.
Coding change: c.412dup on transcript NM_001163435.3 (MANE Select); coding-DNA position 412, one base duplicated (T; older notation c.412dupT).
Protein change: p.Tyr138fs; shifts the reading frame from tyrosine 138.
Molecular consequence: frameshift variant. On other transcripts: 5 prime UTR variant (1), intron variant (1).
Genome position (GRCh38, 1-based): chr4:106,260,480, A duplicated on the plus strand (T on the coding strand, the reverse complement: TBCK is on the minus strand); the first of 3 consecutive A bases (chr4:106,260,480-106,260,482); duplicating any one gives the same sequence. VCF-style (leftmost placement, unchanged base first): chr4-106260479-T-TA. GRCh37 (hg19) VCF-style: chr4-107181636-T-TA.
Other names: c.412dup, p.Tyr138fs (NM_001163436.4, NM_001163437.3); c.-206dup (NM_001290768.2); c.267-8473dup (NM_033115.5); short protein forms Y138fs.
Identifiers: ClinVar variation 4776882 (VCV004776882.1).
Genomic context (GRCh38, chr4:106,260,479, plus strand): 5'-AGGAAAACATATCCTTACCCTATTGGGAAATCAACATCATCACCATGAGCTGTCATGTGA[T>TA]AAAGTCCAAATTTAGCCAATTTAATATGTCCCTATGATAATAAAGAAAAAAAACACTATC-3'